The following is an entry in ClinVar:

ClinVar aggregate classification (germline): Benign/Likely benign. Review status: criteria provided, multiple submitters, no conflicts (2 of 4 stars). 5 submissions from 5 submitters: Benign (2); Likely benign (3). Last evaluated 2026-01-21.

Conditions:
Immunodeficiency 27A (IMD27A). Also called: IMMUNODEFICIENCY 27A, MYCOBACTERIOSIS, AUTOSOMAL RECESSIVE; IFNGR1 DEFICIENCY, AUTOSOMAL RECESSIVE. Identifiers: Orphanet 319569, Orphanet 99898, MedGen C4011949, MONDO:0008856, OMIM 209950.
Disseminated atypical mycobacterial infection. Identifiers: MedGen C0694566.

Allele frequency attached by ClinVar (database versions not stated): 1000 Genomes Project 0.00060; 1000 Genomes Project 30x 0.00062; gnomAD 0.00143; TOPMed 0.00203; ESP Exome Variant Server 0.00223.

Submissions (5):

Labcorp Genetics (formerly Invitae), Labcorp
Classification: Benign for Disseminated atypical mycobacterial infection. Last evaluated: 2026-01-21. Review status: criteria provided, single submitter. Criteria: Invitae Variant Classification Sherloc (09022015). Collection method: clinical testing. Allele origin: germline.

Blueprint Genetics
Classification: Likely benign. Last evaluated: 2024-10-16. Review status: criteria provided, single submitter. Criteria: ACMG Guidelines, 2015. Collection method: clinical testing. Allele origin: germline.

Women's Health and Genetics/Laboratory Corporation of America, LabCorp
Classification: Benign. Last evaluated: 2018-02-27. Review status: criteria provided, single submitter. Criteria: LabCorp Variant Classification Summary - May 2015. Collection method: clinical testing. Allele origin: germline.
Comment: Variant summary: IFNGR1 c.200+15T>G alters a non-conserved nucleotide located close to a canonical splice site and therefore could affect mRNA splicing, leading to a significantly altered protein sequence. 5/5 computational tools predict no significant impact on normal splicing. However, these predictions have yet to be confirmed by functional studies. The variant allele was found at a frequency of 0.00042 in 276552 control chromosomes in the gnomAD database, including 1 homozygote. The observed variant frequency is approximately 671 fold above the estimated maximal expected allele frequency for a pathogenic variant in IFNGR1 causing Interferon Gamma Receptor Deficiency phenotype (6.3e-07), strongly suggesting that the variant is benign. To our knowledge, no occurrence of c.200+15T>G in individuals affected with Interferon Gamma Receptor Deficiency and no experimental evidence demonstrating its impact on protein function have been reported. No clinical diagnostic laboratories have submitted clinical-significance assessments for this variant to ClinVar after 2014. Based on the evidence outlined above, the variant was classified as benign.

Illumina Laboratory Services, Illumina
Classification: Likely benign for Immunodeficiency 27A. Last evaluated: 2018-01-13. Review status: criteria provided, single submitter. Criteria: ICSL Variant Classification Criteria 13 December 2019. Collection method: clinical testing. Allele origin: germline.
Comment: This variant was observed in the ICSL laboratory as part of a predisposition screen in an ostensibly healthy population. It had not been previously curated by ICSL or reported in the Human Gene Mutation Database (HGMD: prior to June 1st, 2018), and was therefore a candidate for classification through an automated scoring system. Utilizing variant allele frequency, disease prevalence and penetrance estimates, and inheritance mode, an automated score was calculated to assess if this variant is too frequent to cause the disease. Based on the score and internal cut-off values, a variant classified as likely benign is not then subjected to further curation. The score for this variant resulted in a classification of likely benign for this disease.

Breakthrough Genomics
Classification: Likely benign. Review status: criteria provided, single submitter. Criteria: ACMG Guidelines, 2015. Collection method: not provided. Allele origin: germline. Inheritance: Autosomal recessive inheritance. Affected: yes.

NM_000416.3(IFNGR1):c.200+15T>G

Gene: IFNGR1 (interferon gamma receptor 1; minus strand). Cytogenetic location: 6q23.3.
Variant type: single nucleotide variant.
Coding change: c.200+15T>G on transcript NM_000416.3 (MANE Select); 15 bases into the intron after coding-DNA position 200, T replaced by G.
Molecular consequence: intron variant.
Genome position (GRCh38, 1-based): chr6:137,206,948, A>C on the plus strand (T>G on the coding strand, the complement: IFNGR1 is on the minus strand). VCF-style: chr6-137206948-A-C. GRCh37 (hg19) VCF-style: chr6-137528085-A-C.
Other names: c.170+15T>G (NM_001363526.1); c.77+15T>G (NM_001363527.1).
Identifiers: ClinVar variation 632861 (VCV000632861.15), dbSNP rs17175329, ClinGen allele CA4019025.